The following is an entry in ClinVar:

ClinVar aggregate classification (germline): Likely benign (1 of 4 stars; one submission).

Submission:

Mayo Clinic Laboratories, Mayo Clinic
Classification: Likely benign. Last evaluated: 2024-11-11. Review status: criteria provided, single submitter. Criteria: ACMG Guidelines, 2015. Collection method: clinical testing. Allele origin: germline. Observed: 2 variant alleles.
Comment: BP4, BP7

NM_006111.3(ACAA2):c.954+29_954+30del

Gene: ACAA2 (acetyl-CoA acyltransferase 2; minus strand). Cytogenetic location: 18q21.1.
Variant type: Deletion.
Coding change: c.954+29_954+30del on transcript NM_006111.3 (MANE Select); bases 29 to 30 of the intron after coding-DNA position 954, 2 bases deleted (TT; older notation c.954+29_954+30delTT).
Molecular consequence: intron variant.
Genome position (GRCh38, 1-based): chr18:49,787,261-49,787,262, AA deleted on the plus strand (TT on the coding strand, the reverse complement: ACAA2 is on the minus strand); deleting any 2 consecutive bases within chr18:49,787,261-49,787,283 gives the same sequence; the c. name uses the placement nearest the transcript's 3' end. VCF-style (leftmost placement, unchanged base first): chr18-49787260-TAA-T. GRCh37 (hg19) VCF-style: chr18-47313630-TAA-T.
Other names: p.?.
Identifiers: ClinVar variation 4684282 (VCV004684282.1).